The following is an entry in ClinVar:

NM_003060.4(SLC22A5):c.285T>C (p.Leu95=)

Gene: SLC22A5 (solute carrier family 22 member 5; plus strand). Cytogenetic location: 5q31.1.
Variant type: single nucleotide variant.
Coding change: c.285T>C on transcript NM_003060.4 (MANE Select); coding-DNA position 285, T replaced by C.
Protein change: p.Leu95=; no amino-acid change (leucine 95 retained).
Molecular consequence: synonymous variant.
Genome position (GRCh38, 1-based): chr5:132,370,257, T>C. VCF-style: chr5-132370257-T-C. GRCh37 (hg19) VCF-style: chr5-131705949-T-C.
Other names: p.Leu95=; c.285T>C, p.Leu95= (NM_001308122.2).
Identifiers: ClinVar variation 94099 (VCV000094099.44), dbSNP rs2631365, ClinGen allele CA147621.

ClinVar aggregate classification (germline): Benign. Review status: criteria provided, multiple submitters, no conflicts (2 of 4 stars). 15 submissions from 15 submitters: Benign (11). 4 of the submissions do not count toward it. Last evaluated 2026-02-04.

Conditions:
Renal carnitine transport defect (CDSP). Also called: CARNITINE DEFICIENCY, SYSTEMIC, DUE TO DEFECT IN RENAL REABSORPTION OF CARNITINE; CARNITINE TRANSPORTER, PLASMA-MEMBRANE, DEFICIENCY OF; CARNITINE UPTAKE DEFECT; Primary carnitine deficiency; Systemic primary carnitine deficiency disease; Carnitine transporter deficiency. Identifiers: Orphanet 158, MedGen C0342788, MONDO:0008919, OMIM 212140.

Allele frequency attached by ClinVar (database versions not stated): ESP Exome Variant Server 0.34970; TOPMed 0.38565; gnomAD 0.42203; gnomAD exomes 0.43275; 1000 Genomes Project 30x 0.47564; 1000 Genomes Project 0.48622; ExAC 0.49683.
gnomAD v4.1: 640,882 of 1,582,580 alleles (40%); highest among the groups gnomAD compares: East Asian, 67%; 135,090 homozygotes.

Submissions (15):

Labcorp Genetics (formerly Invitae), Labcorp
Classification: Benign for Renal carnitine transport defect. Last evaluated: 2026-02-04. Review status: criteria provided, single submitter. Criteria: Invitae Variant Classification Sherloc (09022015). Collection method: clinical testing. Allele origin: germline.

ARUP Laboratories, Molecular Genetics and Genomics, ARUP Laboratories
Classification: Benign for Renal carnitine transport defect. Last evaluated: 2025-07-14. Review status: criteria provided, single submitter. Criteria: ARUP Molecular Germline Variant Investigation Process 2024. Collection method: clinical testing. Allele origin: germline.

Blueprint Genetics
Classification: Benign. Last evaluated: 2024-11-26. Review status: criteria provided, single submitter. Criteria: ACMG Guidelines, 2015. Collection method: clinical testing. Allele origin: germline.

Mayo Clinic Laboratories, Mayo Clinic
Classification: Benign. Last evaluated: 2022-04-26. Review status: criteria provided, single submitter. Criteria: ACMG Guidelines, 2015. Collection method: clinical testing. Allele origin: germline. Observed: 1,138 variant alleles.

Genome-Nilou Lab
Classification: Benign for Renal carnitine transport defect. Last evaluated: 2021-07-15. Review status: criteria provided, single submitter. Criteria: ACMG Guidelines, 2015. Collection method: clinical testing. Allele origin: germline. Affected: no.

Pars Genome Lab
Classification: Benign for Renal carnitine transport defect. Last evaluated: 2021-06-15. Review status: criteria provided, single submitter. Criteria: ACMG Guidelines, 2015. Collection method: clinical testing. Allele origin: germline. Affected: no.

Illumina Laboratory Services, Illumina
Classification: Benign for Renal carnitine transport defect. Last evaluated: 2018-01-13. Review status: criteria provided, single submitter. Criteria: ICSL Variant Classification Criteria 13 December 2019. Collection method: clinical testing. Allele origin: germline.
Comment: This variant was observed in the ICSL laboratory as part of a predisposition screen in an ostensibly healthy population. It had not been previously curated by ICSL or reported in the Human Gene Mutation Database (HGMD: prior to June 1st, 2018), and was therefore a candidate for classification through an automated scoring system. Utilizing variant allele frequency, disease prevalence and penetrance estimates, and inheritance mode, an automated score was calculated to assess if this variant is too frequent to cause the disease. Based on the score and internal cut-off values, a variant classified as benign is not then subjected to further curation. The score for this variant resulted in a classification of benign for this disease.

Eurofins Ntd Llc (ga)
Classification: Benign. Last evaluated: 2017-12-07. Review status: criteria provided, single submitter. Criteria: EGL Classification Definitions 2015. Collection method: clinical testing. Allele origin: germline. Observed: 90 variant alleles, 65 heterozygotes, 25 homozygotes.

Phosphorus, Inc.
Classification: Benign for Renal carnitine transport defect. Last evaluated: 2017-08-01. Review status: criteria provided, single submitter. Criteria: ACMG Guidelines, 2015. Collection method: clinical testing. Allele origin: germline. Observed: 13 variant alleles.

Women's Health and Genetics/Laboratory Corporation of America, LabCorp
Classification: Benign. Last evaluated: 2016-04-18. Review status: criteria provided, single submitter. Criteria: LabCorp Variant Classification Summary - May 2015. Collection method: clinical testing. Allele origin: germline.
Comment: Variant summary: The variant was observed in the general population by the ExAC project at an allele frequency of ~50% across diverse ethnicities including numerous homozygotes indicating the variant to be a neutral polymorphism. Therefore the variant is classified as Benign.

GeneDx
Classification: Benign. Last evaluated: 2015-03-03. Review status: criteria provided, single submitter. Criteria: GeneDx Variant Classification Process June 2021. Collection method: clinical testing. Allele origin: germline. Affected: yes.

Natera, Inc.
Classification: Benign for Primary systemic carnitine deficiency. Last evaluated: 2020-09-16. Review status: no assertion criteria provided. Collection method: clinical testing. Allele origin: germline. Not counted in ClinVar's aggregate classification.

Diagnostic Laboratory, Department of Genetics, University Medical Center Groningen
Classification: Benign. Review status: no assertion criteria provided. Collection method: clinical testing. Allele origin: germline. Affected: yes. Study: VKGL Data-share Consensus. Not counted in ClinVar's aggregate classification.

Genome Diagnostics Laboratory, University Medical Center Utrecht
Classification: Benign. Review status: no assertion criteria provided. Collection method: clinical testing. Allele origin: germline. Affected: yes. Study: VKGL Data-share Consensus. Not counted in ClinVar's aggregate classification.

Joint Genome Diagnostic Labs from Nijmegen and Maastricht, Radboudumc and MUMC+
Classification: Benign. Review status: no assertion criteria provided. Collection method: clinical testing. Allele origin: germline. Affected: yes. Study: VKGL Data-share Consensus. Not counted in ClinVar's aggregate classification.

Literature cited by the submitters: PubMed 23757202 (cited by Phosphorus, Inc.); PubMed 26075114 (cited by Phosphorus, Inc.); PubMed 20208395 (cited by Women's Health and Genetics/Laboratory Corporation of America, LabCorp).